The following is an entry in ClinVar:

NM_021023.6(CFHR3):c.530C>A (p.Pro177Gln)

Gene: CFHR3 (complement factor H related 3; plus strand). Cytogenetic location: 1q31.3.
Variant type: single nucleotide variant.
Coding change: c.530C>A on transcript NM_021023.6 (MANE Select); coding-DNA position 530, C replaced by A.
Protein change: p.Pro177Gln; replaces proline 177 with glutamine.
Molecular consequence: missense variant. On other transcripts: intron variant (1).
Genome position (GRCh38, 1-based): chr1:196,788,315, C>A. VCF-style: chr1-196788315-C-A. GRCh37 (hg19) VCF-style: chr1-196757445-C-A.
Other names: p.Pro177Gln; c.431-1730C>A (NM_001166624.2); short protein forms P177Q.
Identifiers: ClinVar variation 3380320 (VCV003380320.1).

ClinVar aggregate classification (germline): Uncertain significance (1 of 4 stars; one submission).

gnomAD v4.1: 32 of 1,523,446 alleles (0.0021%); highest among the groups gnomAD compares: South Asian, 0.037%; 6 homozygotes.

Submission:

Mayo Clinic Laboratories, Mayo Clinic
Classification: Uncertain significance. Last evaluated: 2024-01-16. Review status: criteria provided, single submitter. Criteria: ACMG Guidelines, 2015. Collection method: clinical testing. Allele origin: germline. Observed: 2 variant alleles.
Comment: BP4